The following is an entry in ClinVar:

NM_080680.3(COL11A2):c.4179A>T (p.Gly1393=)

Gene: COL11A2 (collagen type XI alpha 2 chain; minus strand). Cytogenetic location: 6p21.32.
Variant type: single nucleotide variant.
Coding change: c.4179A>T on transcript NM_080680.3 (MANE Select); coding-DNA position 4179, A replaced by T.
Protein change: p.Gly1393=; no amino-acid change (glycine 1393 retained).
Molecular consequence: synonymous variant.
Genome position (GRCh38, 1-based): chr6:33,167,121, T>A on the plus strand (A>T on the coding strand, the complement: COL11A2 is on the minus strand). VCF-style: chr6-33167121-T-A. GRCh37 (hg19) VCF-style: chr6-33134898-T-A.
Other names: c.3921A>T, p.Gly1307= (NM_080681.3); c.3999A>T, p.Gly1333= (NM_001424108.1); c.3333A>T, p.Gly1111= (NM_001424109.1); c.3153A>T, p.Gly1051= (NM_001424110.1, NM_001424111.1); c.2133A>T, p.Gly711= (NM_001424112.1); c.3858A>T, p.Gly1286= (NM_080679.3).
Identifiers: ClinVar variation 4534934 (VCV004534934.6).

ClinVar aggregate classification (germline): Likely benign (1 of 4 stars; one submission).

Submission:

CeGaT Center for Human Genetics Tuebingen
Classification: Likely benign. Last evaluated: 2025-10-01. Review status: criteria provided, single submitter. Criteria: CeGaT Center For Human Genetics Tuebingen Variant Classification Criteria Version 2. Collection method: clinical testing. Allele origin: germline. Affected: yes. Observed: 1 variant allele.
Comment: COL11A2: PM2:Supporting, BP4, BP7